The following is an entry in ClinVar:

NM_138694.4(PKHD1):c.9253C>T (p.Gln3085Ter)

Gene: PKHD1 (PKHD1 ciliary IPT domain containing fibrocystin/polyductin; minus strand). Cytogenetic location: 6p12.3.
Variant type: single nucleotide variant.
Coding change: c.9253C>T on transcript NM_138694.4 (MANE Select); coding-DNA position 9253, C replaced by T.
Protein change: p.Gln3085Ter; replaces glutamine 3085 with a stop codon.
Molecular consequence: nonsense.
Genome position (GRCh38, 1-based): chr6:51,748,363, G>A on the plus strand (C>T on the coding strand, the complement: PKHD1 is on the minus strand). VCF-style: chr6-51748363-G-A. GRCh37 (hg19) VCF-style: chr6-51613161-G-A.
Other names: c.9253C>T, p.Gln3085Ter (NM_170724.3); short protein forms Q3085*.
Identifiers: ClinVar variation 4816795 (VCV004816795.2).

ClinVar aggregate classification (germline): Pathogenic/Likely pathogenic. Review status: criteria provided, multiple submitters, no conflicts (2 of 4 stars). 2 submissions from 2 submitters: Pathogenic (1); Likely pathogenic (1). Last evaluated 2025-08-20.

Conditions:
Autosomal recessive polycystic kidney disease (ARPKD). Also called: AR polycystic kidney disease. Identifiers: Orphanet 731, Orphanet 8378, MedGen C0085548, MeSH D017044, MONDO:0009889.
Polycystic kidney disease 4 (PKD4). Also called: Autosomal Recessive Polycystic Kidney Disease – PKHD1; POLYCYSTIC KIDNEY AND HEPATIC DISEASE 1; POLYCYSTIC KIDNEY DISEASE, INFANTILE, TYPE I; POLYCYSTIC KIDNEY DISEASE 4 WITH OR WITHOUT POLYCYSTIC LIVER DISEASE; PKD3. Identifiers: MedGen C4540575, MONDO:0033004, OMIM 263200.

gnomAD v4.1: 1 of 1,613,898 alleles (0.000062%); highest among the groups gnomAD compares: African/African-American, 0.0013%; no homozygotes.

Submissions (2):

Myriad Genetics, Inc.
Classification: Pathogenic for Polycystic kidney disease 4. Last evaluated: 2025-08-20. Review status: criteria provided, single submitter. Criteria: Myriad Autosomal Dominant, Autosomal Recessive and X-Linked Classification Criteria (2023). Collection method: clinical testing. Allele origin: unknown.
Comment: NM_138694.3(PKHD1):c.9253C>T(Q3085*) is expected to be pathogenic in the context of autosomal recessive polycystic kidney disease, PKHD1-related. This variant is predicted to lead to an abnormal or absent protein product due to the creation of a premature termination codon in PKHD1, a gene where loss-of-function variants are known to be pathogenic. Please note: this variant was assessed in the context of healthy population screening.

Natera, Inc.
Classification: Likely pathogenic for Autosomal recessive polycystic kidney disease. Last evaluated: 2025-07-25. Review status: criteria provided, single submitter. Criteria: Natera Variant Classification Schema (03/2026). Collection method: clinical testing. Allele origin: germline.
Comment: The c.9253C>T variant in PKHD1 is a nonsense variant predicted to introduce a stop codon at amino acid 3085. This variant is expected to result in nonsense mediated decay, truncation, or a dysfunctional protein product. This variant is rare in the general population with a frequency below the threshold expected for the associated phenotype(s). Given the available evidence, this variant is classified as Likely Pathogenic.